The following is an entry in ClinVar:

NM_015192.4(PLCB1):c.1009+68T>C

Gene: PLCB1 (phospholipase C beta 1; plus strand). Cytogenetic location: 20p12.3.
Variant type: single nucleotide variant.
Coding change: c.1009+68T>C on transcript NM_015192.4 (MANE Select); 68 bases into the intron after coding-DNA position 1009, T replaced by C.
Molecular consequence: intron variant.
Genome position (GRCh38, 1-based): chr20:8,685,146, T>C. VCF-style: chr20-8685146-T-C. GRCh37 (hg19) VCF-style: chr20-8665793-T-C.
Other names: c.1009+68T>C (NM_182734.3).
Identifiers: ClinVar variation 1295799 (VCV001295799.5), dbSNP rs2273190, ClinGen allele CA14851819.
Genomic context (GRCh38, chr20:8,685,146, plus strand): 5'-TTTTCTAGTTCTTTGTTACTTTAGCCAGTCTCACCAAATTTCACCAACCTCTACTTTCTG[T>C]TGTTCGGAAGCTGAAGTGTGTTTTCTTCCATTTCCTGCGAAGTGCCTCTGAGAACTCTGG-3'

ClinVar aggregate classification (germline): Benign. Review status: criteria provided, multiple submitters, no conflicts (2 of 4 stars). 3 submissions from 3 submitters: Benign (3). Last evaluated 2024-07-15.

Allele frequency attached by ClinVar (database versions not stated): gnomAD 0.07056 and 0.07519; gnomAD exomes 0.07821; TOPMed 0.08038; 1000 Genomes Project 30x 0.12133; 1000 Genomes Project 0.12420.
gnomAD v4.1: 112,893 of 1,446,368 alleles (7.8%); highest among the groups gnomAD compares: East Asian, 34%; 6,992 homozygotes.

Submissions (3):

Unidad de Genómica Garrahan, Hospital de Pediatría Garrahan
Classification: Benign. Last evaluated: 2024-07-15. Review status: criteria provided, single submitter. Criteria: ACMG Guidelines, 2015. Collection method: clinical testing. Allele origin: germline. Affected: no. Observed: 31 variant alleles.
Comment: This variant is classified as Benign based on local population frequency. This variant was detected in 33% of patients studied in a panel designed for Epileptic and Developmental Encephalopathy and Progressive Myoclonus Epilepsy. Number of patients: 31. Only high quality variants are reported.

GeneDx
Classification: Benign. Last evaluated: 2020-12-01. Review status: criteria provided, single submitter. Criteria: GeneDx Variant Classification Process June 2021. Collection method: clinical testing. Allele origin: germline. Affected: yes.

Breakthrough Genomics
Classification: Benign. Review status: criteria provided, single submitter. Criteria: ACMG Guidelines, 2015. Collection method: not provided. Allele origin: germline. Inheritance: Autosomal recessive inheritance. Affected: yes.